The following is an entry in ClinVar:

NM_004629.2(FANCG):c.266C>G (p.Thr89Arg)

Gene: FANCG (FA complementation group G; minus strand). Cytogenetic location: 9p13.3.
Variant type: single nucleotide variant.
Coding change: c.266C>G on transcript NM_004629.2 (MANE Select); coding-DNA position 266, C replaced by G.
Protein change: p.Thr89Arg; replaces threonine 89 with arginine.
Molecular consequence: missense variant.
Genome position (GRCh38, 1-based): chr9:35,078,646, G>C on the plus strand (C>G on the coding strand, the complement: FANCG is on the minus strand). VCF-style: chr9-35078646-G-C. GRCh37 (hg19) VCF-style: chr9-35078643-G-C.
Other names: short protein forms T89R.
Identifiers: ClinVar variation 4841411 (VCV004841411.1).

ClinVar aggregate classification (germline): Uncertain significance (1 of 4 stars; one submission).

Conditions:
Inborn genetic diseases. Identifiers: MedGen C0950123, MeSH D030342.

Submission:

Ambry Genetics
Classification: Uncertain significance for Inborn genetic diseases. Last evaluated: 2026-01-11. Review status: criteria provided, single submitter. Criteria: Ambry Variant Classification Scheme 2023. Collection method: clinical testing. Allele origin: germline.
Comment: The p.T89R variant (also known as c.266C>G), located in coding exon 3 of the FANCG gene, results from a C to G substitution at nucleotide position 266. The threonine at codon 89 is replaced by arginine, an amino acid with similar properties. This amino acid position is conserved. In addition, the in silico prediction for this alteration is inconclusive. Based on the available evidence, the clinical significance of this variant remains unclear.